The following is an entry in ClinVar:

NM_001130823.3(DNMT1):c.4626C>T (p.Thr1542=)

Genes: DNMT1 (DNA methyltransferase 1; minus strand), LOC126862853 (CDK7 strongly-dependent group 2 enhancer GRCh37_chr19:10246117-10247316; plus strand). Cytogenetic location: 19p13.2.
Variant type: single nucleotide variant.
Coding change: c.4626C>T on transcript NM_001130823.3 (MANE Select); coding-DNA position 4626, C replaced by T.
Protein change: p.Thr1542=; no amino-acid change (threonine 1542 retained).
Molecular consequence: synonymous variant.
Genome position (GRCh38, 1-based): chr19:10,136,151, G>A on the plus strand (C>T on the coding strand, the complement: DNMT1 is on the minus strand). VCF-style: chr19-10136151-G-A. GRCh37 (hg19) VCF-style: chr19-10246827-G-A.
Other names: c.4587C>T, p.Thr1529= (NM_001318730.2); c.4263C>T, p.Thr1421= (NM_001318731.2); c.4578C>T, p.Thr1526= (NM_001379.4).
Identifiers: ClinVar variation 669314 (VCV000669314.19), dbSNP rs760037814, ClinGen allele CA9187470.
Genomic context (GRCh38, chr19:10,136,151, plus strand): 5'-CAGGCCCTCGGATGCCCCCTCCCCACCTACCTGCTTGCCCATGGGCTCGGGGTTGGTGAC[G>A]GTTGTGCTGAAGAAGCCGTCCCACTCGAGCCTTCCATAGAGGCCAGCCCAGTGGTTGTGC-3'
Protein context (NP_001124295.1, residues 1532-1552): RLEWDGFFST[Thr1542=]VTNPEPMGKQ

ClinVar aggregate classification (germline): Likely benign. Review status: criteria provided, multiple submitters, no conflicts (2 of 4 stars). 3 submissions from 3 submitters: Likely benign (3). Last evaluated 2025-11-25.

Conditions:
Hereditary sensory neuropathy-deafness-dementia syndrome. Also called: NEUROPATHY, HEREDITARY SENSORY, WITH HEARING LOSS AND DEMENTIA; HSN IE; Hereditary sensory neuropathy type IE; Hereditary Sensory and Autonomic Neuropathy Type 1E (HSAN1E). Identifiers: Orphanet 456318, MedGen C3279885, MONDO:0013584, OMIM 614116.

Allele frequency attached by ClinVar (database versions not stated): TOPMed 0.00006; gnomAD 0.00009.
gnomAD v4.1: 34 of 1,613,934 alleles (0.0021%); highest among the groups gnomAD compares: Admixed American, 0.015%; no homozygotes.

Submissions (3):

Labcorp Genetics (formerly Invitae), Labcorp
Classification: Likely benign for Hereditary sensory neuropathy-deafness-dementia syndrome. Last evaluated: 2025-11-25. Review status: criteria provided, single submitter. Criteria: Invitae Variant Classification Sherloc (09022015). Collection method: clinical testing. Allele origin: germline.

CeGaT Center for Human Genetics Tuebingen
Classification: Likely benign. Last evaluated: 2025-09-01. Review status: criteria provided, single submitter. Criteria: CeGaT Center For Human Genetics Tuebingen Variant Classification Criteria Version 2. Collection method: clinical testing. Allele origin: germline. Affected: yes. Observed: 1 variant allele.
Comment: DNMT1: BP4, BP7

GeneDx
Classification: Likely benign. Last evaluated: 2021-05-04. Review status: criteria provided, single submitter. Criteria: GeneDx Variant Classification Process June 2021. Collection method: clinical testing. Allele origin: germline. Affected: yes.